The following is an entry in ClinVar:

NM_001039141.3(TRIOBP):c.4178C>T (p.Pro1393Leu)

Gene: TRIOBP (TRIO and F-actin binding protein; plus strand). Cytogenetic location: 22q13.1.
Variant type: single nucleotide variant.
Coding change: c.4178C>T on transcript NM_001039141.3 (MANE Select); coding-DNA position 4178, C replaced by T.
Protein change: p.Pro1393Leu; replaces proline 1393 with leucine.
Molecular consequence: missense variant.
Genome position (GRCh38, 1-based): chr22:37,734,514, C>T. VCF-style: chr22-37734514-C-T. GRCh37 (hg19) VCF-style: chr22-38130521-C-T.
Other names: short protein forms P1393L.
Identifiers: ClinVar variation 43856 (VCV000043856.22), dbSNP rs28450766, ClinGen allele CA133036.

ClinVar aggregate classification (germline): Benign. Review status: criteria provided, multiple submitters, no conflicts (2 of 4 stars). 6 submissions from 6 submitters: Benign (6). Last evaluated 2026-01-19.

Allele frequency attached by ClinVar (database versions not stated): gnomAD exomes 0.00069 and 0.00162; ExAC 0.00258; 1000 Genomes Project 0.00519; 1000 Genomes Project 30x 0.00531; ESP Exome Variant Server 0.00613; gnomAD 0.00688 and 0.00750; TOPMed 0.00761.
gnomAD v4.1: 2,132 of 1,606,316 alleles (0.13%); highest among the groups gnomAD compares: African/African-American, 2.4%; 33 homozygotes.

Submissions (6):

Labcorp Genetics (formerly Invitae), Labcorp
Classification: Benign. Last evaluated: 2026-01-19. Review status: criteria provided, single submitter. Criteria: Invitae Variant Classification Sherloc (09022015). Collection method: clinical testing. Allele origin: germline.

GeneDx
Classification: Benign. Last evaluated: 2019-05-16. Review status: criteria provided, single submitter. Criteria: GeneDx Variant Classification Process June 2021. Collection method: clinical testing. Allele origin: germline. Affected: yes.

Eurofins Ntd Llc (ga)
Classification: Benign. Last evaluated: 2015-07-22. Review status: criteria provided, single submitter. Criteria: EGL Classification Definitions 2015. Collection method: clinical testing. Allele origin: germline. Observed: 1 variant allele, 1 heterozygote.

Laboratory for Molecular Medicine, Mass General Brigham Personalized Medicine
Classification: Benign. Last evaluated: 2012-04-30. Review status: criteria provided, single submitter. Criteria: LMM Criteria. Collection method: clinical testing. Allele origin: germline. Observed: 15 variant alleles.
Comment: Pro1393Leu in Exon 09 of TRIOBP: This variant is not expected to have clinical s ignificance because it has been identified in 1.7% (53/3054) of African American chromosomes from a broad population by the NHLBI Exome Sequencing Project (dbSNP rs28450766).

Breakthrough Genomics
Classification: Benign. Review status: criteria provided, single submitter. Criteria: ACMG Guidelines, 2015. Collection method: not provided. Allele origin: germline. Inheritance: Autosomal recessive inheritance. Affected: yes.

PreventionGenetics, part of Exact Sciences
Classification: Benign. Review status: criteria provided, single submitter. Criteria: ACMG Guidelines, 2015. Collection method: clinical testing. Allele origin: germline.